The following is an entry in ClinVar:

NM_000939.4(POMC):c.285_286insAGCAGCAGCGGCAGCAGC (p.94_95S[5]GSS[1])

Gene: POMC (proopiomelanocortin; minus strand). Cytogenetic location: 2p23.3.
Variant type: Microsatellite.
Coding change: c.285_286insAGCAGCAGCGGCAGCAGC on transcript NM_000939.4 (MANE Select); coding-DNA positions 285 to 286, AGCAGCAGCGGCAGCAGC inserted.
Protein change: p.94_95S[5]GSS[1].
Molecular consequence: inframe insertion.
Genome position: GRCh38 VCF-style: chr2-25161599-C-CGCTGCTGCCGCTGCTGCT. GRCh37 (hg19) VCF-style: chr2-25384468-C-CGCTGCTGCCGCTGCTGCT.
Other names: c.285_286insAGCAGCAGCGGCAGCAGC (NM_001035256.2); c.285_286insAGCAGCAGCGGCAGCAGC, p.94_95S[5]GSS[1] (NM_001035256.3, NM_001319204.2, NM_001319205.2).
Identifiers: ClinVar variation 1396815 (VCV001396815.9), dbSNP rs1553400143.

ClinVar aggregate classification (germline): Uncertain significance (1 of 4 stars; one submission).

Conditions:
Obesity due to pro-opiomelanocortin deficiency. Also called: OBESITY, EARLY-ONSET, WITH ADRENAL INSUFFICIENCY AND RED HAIR; PROOPIOMELANOCORTIN DEFICIENCY; Obesity, adrenal insufficiency, and red hair due to POMC deficiency. Identifiers: Orphanet 71526, MedGen C1857854, MONDO:0012335, OMIM 609734.

Submission:

Labcorp Genetics (formerly Invitae), Labcorp
Classification: Uncertain significance. Last evaluated: 2024-05-29. Review status: criteria provided, single submitter. Criteria: Invitae Variant Classification Sherloc (09022015). Collection method: clinical testing. Allele origin: germline.
Comment: This variant, c.285_286insAGCAGCAGCGGCAGCAGC, results in the insertion of 6 amino acid(s) of the POMC protein (p.Ser95_Gly96insSerSerSerGlySerSer), but otherwise preserves the integrity of the reading frame. This variant is present in population databases (no rsID available, gnomAD 0.04%). This variant has not been reported in the literature in individuals affected with POMC-related conditions. Experimental studies and prediction algorithms are not available or were not evaluated, and the functional significance of this variant is currently unknown. In summary, the available evidence is currently insufficient to determine the role of this variant in disease. Therefore, it has been classified as a Variant of Uncertain Significance.